The following is an entry in ClinVar:

NM_198576.4(AGRN):c.3971C>T (p.Pro1324Leu)

Gene: AGRN (agrin; plus strand). Cytogenetic location: 1p36.33.
Variant type: single nucleotide variant.
Coding change: c.3971C>T on transcript NM_198576.4 (MANE Select); coding-DNA position 3971, C replaced by T.
Protein change: p.Pro1324Leu; replaces proline 1324 with leucine.
Molecular consequence: missense variant.
Genome position (GRCh38, 1-based): chr1:1,048,231, C>T. VCF-style: chr1-1048231-C-T. GRCh37 (hg19) VCF-style: chr1-983611-C-T.
Other names: c.3971C>T, p.Pro1324Leu (NM_001305275.2); c.3656C>T, p.Pro1219Leu (NM_001364727.2); short protein forms P1324L, P1219L.
Identifiers: ClinVar variation 568798 (VCV000568798.5), dbSNP rs770876851, ClinGen allele CA509294.

ClinVar aggregate classification (germline): Conflicting classifications of pathogenicity. Review status: criteria provided, conflicting classifications (1 of 4 stars). 2 submissions from 2 submitters: Uncertain significance (1); Likely benign (1). Last evaluated 2023-01-17.

Conditions:
Congenital myasthenic syndrome 8. Also called: Myasthenic syndrome, congenital, 8, with pre- and postsynaptic defects; MYASTHENIC SYNDROME, CONGENITAL, DUE TO AGRIN DEFICIENCY. Identifiers: Orphanet 590, MedGen C3808739, MONDO:0014052, OMIM 615120.
Inborn genetic diseases. Identifiers: MedGen C0950123, MeSH D030342.

Allele frequency attached by ClinVar (database versions not stated): gnomAD 0.00004 and 0.00005; gnomAD exomes 0.00005; TOPMed 0.00006; ExAC 0.00009.

Submissions (2):

Ambry Genetics
Classification: Likely benign for Inborn genetic diseases. Last evaluated: 2023-01-17. Review status: criteria provided, single submitter. Criteria: Ambry Variant Classification Scheme 2023. Collection method: clinical testing. Allele origin: germline.

Labcorp Genetics (formerly Invitae), Labcorp
Classification: Uncertain significance for Congenital myasthenic syndrome 8. Last evaluated: 2022-08-31. Review status: criteria provided, single submitter. Criteria: Invitae Variant Classification Sherloc (09022015). Collection method: clinical testing. Allele origin: germline.
Comment: This sequence change replaces proline, which is neutral and non-polar, with leucine, which is neutral and non-polar, at codon 1324 of the AGRN protein (p.Pro1324Leu). This variant is present in population databases (rs770876851, gnomAD 0.01%). This variant has not been reported in the literature in individuals affected with AGRN-related conditions. ClinVar contains an entry for this variant (Variation ID: 568798). Algorithms developed to predict the effect of missense changes on protein structure and function output the following: SIFT: "Tolerated"; PolyPhen-2: "Benign"; Align-GVGD: "Class C0". The leucine amino acid residue is found in multiple mammalian species, which suggests that this missense change does not adversely affect protein function. In summary, the available evidence is currently insufficient to determine the role of this variant in disease. Therefore, it has been classified as a Variant of Uncertain Significance.